The following is an entry in ClinVar:

NM_001854.4(COL11A1):c.1043A>G (p.Tyr348Cys)

Gene: COL11A1 (collagen type XI alpha 1 chain; minus strand). Cytogenetic location: 1p21.1.
Variant type: single nucleotide variant.
Coding change: c.1043A>G on transcript NM_001854.4 (MANE Select); coding-DNA position 1043, A replaced by G.
Protein change: p.Tyr348Cys; replaces tyrosine 348 with cysteine.
Molecular consequence: missense variant. On other transcripts: non-coding transcript variant (1), intron variant (1).
Genome position (GRCh38, 1-based): chr1:103,022,944, T>C on the plus strand (A>G on the coding strand, the complement: COL11A1 is on the minus strand). VCF-style: chr1-103022944-T-C. GRCh37 (hg19) VCF-style: chr1-103488500-T-C.
Other names: c.926A>G, p.Tyr309Cys (NM_001190709.2); c.1079A>G, p.Tyr360Cys (NM_080629.3); c.898-1175A>G (NM_080630.4); short protein forms Y309C, Y348C, Y360C.
Identifiers: ClinVar variation 1978678 (VCV001978678.4), dbSNP rs539811607, ClinGen allele CA341154978.

ClinVar aggregate classification (germline): Uncertain significance (1 of 4 stars; one submission).

Submission:

Labcorp Genetics (formerly Invitae), Labcorp
Classification: Uncertain significance. Last evaluated: 2025-01-13. Review status: criteria provided, single submitter. Criteria: Invitae Variant Classification Sherloc (09022015). Collection method: clinical testing. Allele origin: germline.
Comment: This sequence change replaces tyrosine, which is neutral and polar, with cysteine, which is neutral and slightly polar, at codon 348 of the COL11A1 protein (p.Tyr348Cys). This variant is not present in population databases (gnomAD no frequency). This variant has not been reported in the literature in individuals affected with COL11A1-related conditions. ClinVar contains an entry for this variant (Variation ID: 1978678). Invitae Evidence Modeling of protein sequence and biophysical properties (such as structural, functional, and spatial information, amino acid conservation, physicochemical variation, residue mobility, and thermodynamic stability) indicates that this missense variant is not expected to disrupt COL11A1 protein function with a negative predictive value of 95%. In summary, the available evidence is currently insufficient to determine the role of this variant in disease. Therefore, it has been classified as a Variant of Uncertain Significance.